The following is an entry in ClinVar:

NM_012208.4(HARS2):c.1091A>G (p.Tyr364Cys)

Gene: HARS2 (histidyl-tRNA synthetase 2, mitochondrial; plus strand). Cytogenetic location: 5q31.3.
Variant type: single nucleotide variant.
Coding change: c.1091A>G on transcript NM_012208.4 (MANE Select); coding-DNA position 1091, A replaced by G.
Protein change: p.Tyr364Cys; replaces tyrosine 364 with cysteine.
Molecular consequence: missense variant.
Genome position (GRCh38, 1-based): chr5:140,697,300, A>G. VCF-style: chr5-140697300-A-G. GRCh37 (hg19) VCF-style: chr5-140076885-A-G.
Other names: c.1016A>G, p.Tyr339Cys (NM_001278731.2); c.659A>G, p.Tyr220Cys (NM_001278732.2); c.1109A>G, p.Tyr370Cys (NM_001363535.2); c.881A>G, p.Tyr294Cys (NM_001363536.2); short protein forms Y294C, Y339C, Y364C, Y220C, Y370C.
Identifiers: ClinVar variation 2917271 (VCV002917271.3), dbSNP rs746757469, ClinGen allele CA3444612.
Genomic context (GRCh38, chr5:140,697,300, plus strand): 5'-CCCCAACTCAGGCTGGGGAGGAGCCCCTGAATGTGGGCAGTGTGGCTGCTGGTGGGCGCT[A>G]TGATGGGCTGGTGGGCATGTTTGACCCCAAGGGCCACAAGGTGCCATGTGTGGGACTCAG-3'
Protein context (NP_036340.1, residues 354-374): NVGSVAAGGR[Tyr364Cys]DGLVGMFDPK

ClinVar aggregate classification (germline): Likely pathogenic (1 of 4 stars; one submission).

Allele frequency attached by ClinVar (database versions not stated): gnomAD exomes 0.00002; TOPMed 0.00002; gnomAD 0.00001; ExAC 0.00002.
gnomAD v4.1: 34 of 1,613,998 alleles (0.0021%); highest among the groups gnomAD compares: Middle Eastern, 0.016%; no homozygotes.

Submission:

Labcorp Genetics (formerly Invitae), Labcorp
Classification: Likely pathogenic. Last evaluated: 2025-10-02. Review status: criteria provided, single submitter. Criteria: Invitae Variant Classification Sherloc (09022015). Collection method: clinical testing. Allele origin: germline.
Comment: This sequence change replaces tyrosine, which is neutral and polar, with cysteine, which is neutral and slightly polar, at codon 364 of the HARS2 protein (p.Tyr364Cys). This variant is present in population databases (rs746757469, gnomAD 0.004%). This missense change has been observed in individual(s) with clinical features of Perrault syndrome and/or deafness (PMID: 35440622, 37086329). In at least one individual the data is consistent with being in trans (on the opposite chromosome) from a pathogenic variant. It has also been observed to segregate with disease in related individuals. This variant is also known as c.659A>G, p.Y220C. ClinVar contains an entry for this variant (Variation ID: 2917271). Invitae Evidence Modeling of protein sequence and biophysical properties (such as structural, functional, and spatial information, amino acid conservation, physicochemical variation, residue mobility, and thermodynamic stability) indicates that this missense variant is expected to disrupt HARS2 protein function with a positive predictive value of 80%. In summary, the currently available evidence indicates that the variant is pathogenic, but additional data are needed to prove that conclusively. Therefore, this variant has been classified as Likely Pathogenic.

Literature cited by the submitters: PubMed 35440622; PubMed 37086329.